The following is an entry in ClinVar:

ClinVar aggregate classification (germline): Uncertain significance (1 of 4 stars; one submission).

Conditions:
Pyogenic arthritis-pyoderma gangrenosum-acne syndrome (PAPA). Also called: PAPA SYNDROME; FAMILIAL RECURRENT ARTHRITIS. Identifiers: Orphanet 69126, MedGen C1858361, MONDO:0011462, OMIM 604416.

gnomAD v4.1: 18 of 1,565,282 alleles (0.0011%); highest among the groups gnomAD compares: East Asian, 0.036%; no homozygotes.

Submission:

Labcorp Genetics (formerly Invitae), Labcorp
Classification: Uncertain significance for Pyogenic arthritis-pyoderma gangrenosum-acne syndrome. Last evaluated: 2024-09-09. Review status: criteria provided, single submitter. Criteria: Invitae Variant Classification Sherloc (09022015). Collection method: clinical testing. Allele origin: germline.
Comment: This sequence change replaces tyrosine, which is neutral and polar, with cysteine, which is neutral and slightly polar, at codon 119 of the PSTPIP1 protein (p.Tyr119Cys). This variant is present in population databases (no rsID available, gnomAD 0.03%). This missense change has been observed in individual(s) with PAPA syndrome (PMID: 34745107). An algorithm developed to predict the effect of missense changes on protein structure and function (PolyPhen-2) suggests that this variant is likely to be tolerated. In summary, the available evidence is currently insufficient to determine the role of this variant in disease. Therefore, it has been classified as a Variant of Uncertain Significance.

Literature cited by the submitters: PubMed 34745107.

NM_003978.5(PSTPIP1):c.356A>G (p.Tyr119Cys)

Gene: PSTPIP1 (proline-serine-threonine phosphatase interacting protein 1; plus strand). Cytogenetic location: 15q24.3.
Variant type: single nucleotide variant.
Coding change: c.356A>G on transcript NM_003978.5 (MANE Select); coding-DNA position 356, A replaced by G.
Protein change: p.Tyr119Cys; replaces tyrosine 119 with cysteine.
Molecular consequence: missense variant. On other transcripts: non-coding transcript variant (1).
Genome position (GRCh38, 1-based): chr15:77,027,853, A>G. VCF-style: chr15-77027853-A-G. GRCh37 (hg19) VCF-style: chr15-77320194-A-G.
Other names: c.356A>G, p.Tyr119Cys (NM_001321135.2, NM_001411086.1); c.329A>G, p.Tyr110Cys (NM_001321136.2); c.551A>G, p.Tyr184Cys (NM_001321137.1); short protein forms Y184C, Y110C, Y119C.
Identifiers: ClinVar variation 3694712 (VCV003694712.2).